The following is an entry in ClinVar:

NM_002804.5(PSMC3):c.685C>G (p.Pro229Ala)

Gene: PSMC3 (proteasome 26S subunit, ATPase 3; minus strand). Cytogenetic location: 11p11.2.
Variant type: single nucleotide variant.
Coding change: c.685C>G on transcript NM_002804.5 (MANE Select); coding-DNA position 685, C replaced by G.
Protein change: p.Pro229Ala; replaces proline 229 with alanine.
Molecular consequence: missense variant.
Genome position (GRCh38, 1-based): chr11:47,422,880, G>C on the plus strand (C>G on the coding strand, the complement: PSMC3 is on the minus strand). VCF-style: chr11-47422880-G-C. GRCh37 (hg19) VCF-style: chr11-47444431-G-C.
Other names: short protein forms P229A.
Identifiers: ClinVar variation 4528067 (VCV004528067.1).
Genomic context (GRCh38, chr11:47,422,880, plus strand): 5'-AAGTACTCACCTTAGTCTGTGCGGCACAGGCCCGGGCCAGGAGGGTCTTCCCCGTCCCTG[G>C]GGGCCCATACATCAGCACCCCTTTTGGAGGTTGGATCCCCAAGTTCTCAAACTTCTCCTT-3'
Protein context (NP_002795.2, residues 219-239): PPKGVLMYGP[Pro229Ala]GTGKTLLARA

ClinVar aggregate classification (germline): Uncertain significance (1 of 4 stars; one submission).

Submission:

GeneDx
Classification: Uncertain significance. Last evaluated: 2025-05-05. Review status: criteria provided, single submitter. Criteria: GeneDx Variant Classification Process June 2021. Collection method: clinical testing. Allele origin: germline. Affected: yes.
Comment: Not observed at significant frequency in large population cohorts (gnomAD); In silico analysis supports that this missense variant has a deleterious effect on protein structure/function; Has not been previously published as pathogenic or benign to our knowledge